The following is an entry in ClinVar:

NM_001267550.2(TTN):c.3241G>T (p.Ala1081Ser)

Gene: TTN (titin; minus strand). Cytogenetic location: 2q31.2.
Variant type: single nucleotide variant.
Coding change: c.3241G>T on transcript NM_001267550.2 (MANE Select); coding-DNA position 3241, G replaced by T.
Protein change: p.Ala1081Ser; replaces alanine 1081 with serine.
Molecular consequence: missense variant.
Genome position (GRCh38, 1-based): chr2:178,782,351, C>A on the plus strand (G>T on the coding strand, the complement: TTN is on the minus strand). VCF-style: chr2-178782351-C-A. GRCh37 (hg19) VCF-style: chr2-179647078-C-A.
Other names: p.A1081S:GCG>TCG; c.3241G>T, p.Ala1081Ser (NM_001256850.1, NM_133378.4, NM_133379.5); c.3103G>T, p.Ala1035Ser (NM_003319.4, NM_133432.3, NM_133437.4); short protein forms A1081S, A1035S.
Identifiers: ClinVar variation 192090 (VCV000192090.12), dbSNP rs55914517, ClinGen allele CA302579.

ClinVar aggregate classification (germline): Conflicting classifications of pathogenicity. Review status: criteria provided, conflicting classifications (1 of 4 stars). 13 submissions from 9 submitters: Uncertain significance (8); Benign (2); Likely benign (3). Last evaluated 2026-01-20.

Conditions:
Dilated cardiomyopathy 1G (CMD1G). Identifiers: Orphanet 154, MedGen C1858763, MONDO:0011400, OMIM 604145.
Autosomal recessive limb-girdle muscular dystrophy type 2J (LGMDR10). Also called: Limb-girdle muscular dystrophy, type 2J; MUSCULAR DYSTROPHY, LIMB-GIRDLE, AUTOSOMAL RECESSIVE 10. Identifiers: Orphanet 140922, MedGen C1837342, MONDO:0012127, OMIM 608807.
TTN-related disorder. Also called: TTN-related condition; TTN-related disease; TTN-related disorders.
Cardiomyopathy (CMYO). Also called: Cardiomyopathies. Identifiers: Orphanet 167848, MedGen C0878544, MONDO:0004994, HP:0001638. Inheritance: Various modes of inheritance.
Myopathy, myofibrillar, 9, with early respiratory failure (MFM9). Also called: Hereditary myopathy with early respiratory failure; EDSTROM MYOPATHY; MYOPATHY, PROXIMAL, WITH EARLY RESPIRATORY MUSCLE INVOLVEMENT; Myopathy, distal, with early respiratory failure, autosomal dominant. Identifiers: Orphanet 178464, Orphanet 34521, MedGen C1863599, MONDO:0011362, OMIM 603689.
Tibial muscular dystrophy (TMD). Also called: Udd Distal Myopathy – Tibial Muscular Dystrophy; UDD MYOPATHY; Tibial muscular dystrophy, tardive. Identifiers: Orphanet 609, MedGen C1838244, MONDO:0010870, OMIM 600334.
Early-onset myopathy with fatal cardiomyopathy (CMYO5). Also called: CONGENITAL MYOPATHY 5 WITH CARDIOMYOPATHY; Salih Myopathy. Identifiers: Orphanet 289377, MedGen C2673677, MONDO:0012714, OMIM 611705. Disease mechanism: loss of function.

Allele frequency attached by ClinVar (database versions not stated): TOPMed 0.00001.
gnomAD v4.1: 68 of 1,613,920 alleles (0.0042%); highest among the groups gnomAD compares: Middle Eastern, 0.049%; no homozygotes.

Submissions (13):

PreventionGenetics, part of Exact Sciences
Classification: Uncertain significance for TTN-related condition. Last evaluated: 2026-01-20. Review status: criteria provided, single submitter. Criteria: ACMG Guidelines, 2015. Collection method: clinical testing. Allele origin: germline.
Comment: The TTN c.3241G>T variant is predicted to result in the amino acid substitution p.Ala1081Ser. This variant has been reported in a cohort study of individuals who underwent exome sequencing not selected for cardiovascular disease; however, no case‑level clinical information was provided (described as NM_133378.4 c.3241G>T p.Ala1081Ser, Supplemental table 3, Ng et al. 2013. PubMed ID: 23861362). This variant is reported in 0.010% of alleles in individuals of European (Non-Finnish) descent in gnomAD. At this time, the clinical significance of this variant is uncertain due to the absence of conclusive functional and genetic evidence.

Revvity Omics, Revvity
Classification: Uncertain significance. Last evaluated: 2025-05-30. Review status: criteria provided, single submitter. Criteria: ACMG Guidelines, 2015. Collection method: clinical testing. Allele origin: germline.

Blueprint Genetics
Classification: Likely benign. Last evaluated: 2024-11-19. Review status: criteria provided, single submitter. Criteria: ACMG Guidelines, 2015. Collection method: clinical testing. Allele origin: germline.

Women's Health and Genetics/Laboratory Corporation of America, LabCorp
Classification: Uncertain significance. Last evaluated: 2022-10-09. Review status: criteria provided, single submitter. Criteria: LabCorp Variant Classification Summary - May 2015. Collection method: clinical testing. Allele origin: germline.

CHEO Genetics Diagnostic Laboratory, Children's Hospital of Eastern Ontario
Classification: Likely benign for Cardiomyopathy. Last evaluated: 2022-08-03. Review status: criteria provided, single submitter. Criteria: ACMG Guidelines, 2015. Collection method: clinical testing. Allele origin: germline.

Illumina Laboratory Services, Illumina
Classification: Uncertain significance for Dilated cardiomyopathy 1G. Last evaluated: 2018-01-13. Review status: criteria provided, single submitter. Criteria: ICSL Variant Classification Criteria 13 December 2019. Collection method: clinical testing. Allele origin: germline.

Illumina Laboratory Services, Illumina
Classification: Benign for Tibial muscular dystrophy. Last evaluated: 2018-01-13. Review status: criteria provided, single submitter. Criteria: ICSL Variant Classification Criteria 13 December 2019. Collection method: clinical testing. Allele origin: germline.
Comment: This variant was observed in the ICSL laboratory as part of a predisposition screen in an ostensibly healthy population. It had not been previously curated by ICSL or reported in the Human Gene Mutation Database (HGMD: prior to June 1st, 2018), and was therefore a candidate for classification through an automated scoring system. Utilizing variant allele frequency, disease prevalence and penetrance estimates, and inheritance mode, an automated score was calculated to assess if this variant is too frequent to cause the disease. Based on the score and internal cut-off values, a variant classified as benign is not then subjected to further curation. The score for this variant resulted in a classification of benign for this disease.

Illumina Laboratory Services, Illumina
Classification: Uncertain significance for Early-onset myopathy with fatal cardiomyopathy. Last evaluated: 2018-01-13. Review status: criteria provided, single submitter. Criteria: ICSL Variant Classification Criteria 13 December 2019. Collection method: clinical testing. Allele origin: germline.

Illumina Laboratory Services, Illumina
Classification: Uncertain significance for Autosomal recessive limb-girdle muscular dystrophy type 2J. Last evaluated: 2018-01-13. Review status: criteria provided, single submitter. Criteria: ICSL Variant Classification Criteria 13 December 2019. Collection method: clinical testing. Allele origin: germline.

Illumina Laboratory Services, Illumina
Classification: Benign for Myopathy, myofibrillar, 9, with early respiratory failure. Last evaluated: 2018-01-13. Review status: criteria provided, single submitter. Criteria: ICSL Variant Classification Criteria 13 December 2019. Collection method: clinical testing. Allele origin: germline.
Comment: the same text as in the submission from Illumina Laboratory Services, Illumina above.

Labcorp Genetics (formerly Invitae), Labcorp
Classification: Uncertain significance for Dilated cardiomyopathy 1G; Autosomal recessive limb-girdle muscular dystrophy type 2J. Last evaluated: 2017-07-20. Review status: criteria provided, single submitter. Criteria: Invitae Variant Classification Sherloc (09022015). Collection method: clinical testing. Allele origin: germline.

GeneDx
Classification: Likely benign. Last evaluated: 2017-07-06. Review status: criteria provided, single submitter. Criteria: GeneDx Variant Classification (06012015). Collection method: clinical testing. Allele origin: germline. Affected: yes.
Comment: This variant is considered likely benign or benign based on one or more of the following criteria: it is a conservative change, it occurs at a poorly conserved position in the protein, it is predicted to be benign by multiple in silico algorithms, and/or has population frequency not consistent with disease.

Biesecker Lab/Clinical Genomics Section, National Institutes of Health
Classification: Uncertain significance. Last evaluated: 2013-06-24. Review status: criteria provided, single submitter. Criteria: Ng et al. (Circ Cardiovasc Genet. 2013). Collection method: research. Allele origin: unknown. Observed: 1 variant allele. Study: ClinSeq.
Comment: The study set was not selected for affection status in relation to any cancer. Pathogenicity categories were based on literature curation. See Pubmed ID:23861362 for details.

Medical sequencing